The following is an entry in ClinVar:

ClinVar aggregate classification (germline): Likely pathogenic (1 of 4 stars; one submission).

Conditions:
Greig cephalopolysyndactyly syndrome (GCPS). Also called: POLYSYNDACTYLY WITH PECULIAR SKULL SHAPE; Greig syndrome; GLI3-Related Greig Cephalopolysyndactyly Syndrome. Identifiers: Orphanet 380, MedGen C0265306, MONDO:0008287, OMIM 175700.

Submission:

Victorian Clinical Genetics Services, Murdoch Childrens Research Institute
Classification: Likely pathogenic for Greig cephalopolysyndactyly syndrome. Last evaluated: 2023-12-21. Review status: criteria provided, single submitter. Criteria: ACMG Guidelines, 2015. Collection method: clinical testing. Allele origin: germline. Inheritance: Autosomal dominant inheritance. Affected: yes.
Comment: Based on the classification scheme VCGS_Germline_v1.3.4, this variant is classified as Likely pathogenic. Following criteria are met: 0102 - Loss of function is a known mechanism of disease in this gene and is associated with Greig cephalopolysyndactyly syndrome (GCPS, MIM#175700) and Pallister-Hall syndrome (MIM#146510). (I) 0107 - This gene is associated with autosomal dominant disease. (I) 0115 - Variants in this gene are known to have variable expressivity. Intrafamilial variability has been reported (PMID: 18000979). (I) 0200 - Variant is predicted to result in a missense amino acid change from aspartic acid to histidine. (I) 0251 - This variant is heterozygous. (I) 0301 - Variant is absent from gnomAD (both v2 and v3). (SP) 0309 - An alternative amino acid change at the same position has been observed in gnomAD (v2) (1 heterozygote, 0 homozygotes). (I) 0501 - Missense variant consistently predicted to be damaging by multiple in silico tools or highly conserved with a major amino acid change. (SP) 0600 - Variant is located in the annotated CBP-binding domain (PMID: 22903559). (I) 0704 - Another missense variant comparable to the one identified in this case has limited previous evidence for pathogenicity. The p.(Asp896Asn) variant has been reported in a patient with GCPS (PMID: 22903559). (SP) 0807 - This variant has no previous evidence of pathogenicity. (I) 0906 - Segregation evidence for this variant is inconclusive. (I) 1007 - No published functional evidence has been identified for this variant. (I) 1101 - Very strong phenotype match for this individual. (I) Legend: (SP) - Supporting pathogenic, (I) - Information, (SB) - Supporting benign

Literature cited by the submitters: PubMed 18000979; PubMed 22903559.

NM_000168.6(GLI3):c.2686G>C (p.Asp896His)

Gene: GLI3 (GLI family zinc finger 3; minus strand). Cytogenetic location: 7p14.1.
Variant type: single nucleotide variant.
Coding change: c.2686G>C on transcript NM_000168.6 (MANE Select); coding-DNA position 2686, G replaced by C.
Protein change: p.Asp896His; replaces aspartic acid 896 with histidine.
Molecular consequence: missense variant.
Genome position (GRCh38, 1-based): chr7:41,966,387, C>G on the plus strand (G>C on the coding strand, the complement: GLI3 is on the minus strand). VCF-style: chr7-41966387-C-G. GRCh37 (hg19) VCF-style: chr7-42005985-C-G.
Other names: short protein forms D896H.
Identifiers: ClinVar variation 1806148 (VCV001806148.2), dbSNP rs1462048687, ClinGen allele CA367320561.